The following is an entry in ClinVar:

ClinVar aggregate classification (germline): Likely pathogenic (1 of 4 stars; one submission).

Conditions:
Wilson disease (WND). Also called: Wilson's disease. Identifiers: Orphanet 905, MedGen C0019202, MONDO:0010200, OMIM 277900. Disease mechanism: loss of function.

Submission:

Myriad Genetics, Inc.
Classification: Likely pathogenic for Wilson disease. Last evaluated: 2019-09-16. Review status: criteria provided, single submitter. Criteria: Myriad Women's Health Autosomal Recessive and X-Linked Classification Criteria (2019). Collection method: clinical testing. Allele origin: unknown.
Comment: NM_000053.3(ATP7B):c.2949C>A(C983*) is expected to be pathogenic in the context of Wilson disease. This variant is predicted to lead to an abnormal or absent protein product due to the creation of a premature termination codon in ATP7B, a gene where loss-of-function variants are known to be pathogenic. Please note: this variant was assessed in the context of healthy population screening.

NM_000053.4(ATP7B):c.2949C>A (p.Cys983Ter)

Gene: ATP7B (ATPase copper transporting beta; minus strand). Cytogenetic location: 13q14.3.
Variant type: single nucleotide variant.
Coding change: c.2949C>A on transcript NM_000053.4 (MANE Select); coding-DNA position 2949, C replaced by A.
Protein change: p.Cys983Ter; replaces cysteine 983 with a stop codon.
Molecular consequence: nonsense.
Genome position (GRCh38, 1-based): chr13:51,946,395, G>T on the plus strand (C>A on the coding strand, the complement: ATP7B is on the minus strand). VCF-style: chr13-51946395-G-T. GRCh37 (hg19) VCF-style: chr13-52520531-G-T.
Other names: c.2328C>A, p.Cys776Ter (NM_001005918.3); c.2616C>A, p.Cys872Ter (NM_001243182.2); c.2715C>A, p.Cys905Ter (NM_001330578.2); c.2697C>A, p.Cys899Ter (NM_001330579.2); short protein forms C776*, C872*, C899*, C905*, C983*.
Identifiers: ClinVar variation 983751 (VCV000983751.3), dbSNP rs1957660801, ClinGen allele CA388032307.